The following is an entry in ClinVar:

NM_000397.4(CYBB):c.1103C>T (p.Ala368Val)

Gene: CYBB (cytochrome b-245 beta chain; plus strand). Cytogenetic location: Xp11.4.
Variant type: single nucleotide variant.
Coding change: c.1103C>T on transcript NM_000397.4 (MANE Select); coding-DNA position 1103, C replaced by T.
Protein change: p.Ala368Val; replaces alanine 368 with valine.
Molecular consequence: missense variant.
Genome position (GRCh38, 1-based): chrX:37,804,082, C>T. VCF-style: chrX-37804082-C-T. GRCh37 (hg19) VCF-style: chrX-37663335-C-T.
Other names: short protein forms A368V.
Identifiers: ClinVar variation 635006 (VCV000635006.11), dbSNP rs781935760, ClinGen allele CA10383829.

ClinVar aggregate classification (germline): Conflicting classifications of pathogenicity. Review status: criteria provided, conflicting classifications (1 of 4 stars). 2 submissions from 2 submitters: Uncertain significance (1); Benign (1). Last evaluated 2023-07-15.

Conditions:
Granulomatous disease, chronic, X-linked. Also called: CYTOCHROME b-NEGATIVE GRANULOMATOUS DISEASE, CHRONIC, X-LINKED; GRANULOMATOUS DISEASE, CHRONIC, X-LINKED, SOMATIC MOSAIC. Identifiers: Orphanet 379, MedGen C1844376, MONDO:0010600, OMIM 306400.
Primary ciliary dyskinesia. Also called: Ciliary dyskinesia. Identifiers: Orphanet 244, MedGen C0008780, MONDO:0016575, HP:0012265.
Dynein arm defect of respiratory motile cilia. Identifiers: MedGen C4022990, HP:0012255.
Recurrent bronchitis. Identifiers: MedGen C0741796, HP:0002837.

Allele frequency attached by ClinVar (database versions not stated): gnomAD exomes below 0.00001 and 0.00001; ExAC 0.00001; TOPMed 0.00001; gnomAD 0.00002 and 0.00005.
gnomAD v4.1: 7 of 1,208,806 alleles (0.00058%); highest among the groups gnomAD compares: Admixed American, 0.0022%; no homozygotes.

Submissions (2):

Labcorp Genetics (formerly Invitae), Labcorp
Classification: Benign for Granulomatous disease, chronic, X-linked. Last evaluated: 2023-07-15. Review status: criteria provided, single submitter. Criteria: Invitae Variant Classification Sherloc (09022015). Collection method: clinical testing. Allele origin: germline.

Laboratory of Cell Biology, Institute of Biomedical Sciences Abel Salazar University of Porto
Classification: Uncertain significance for Primary ciliary Dyskinesia; Dynein arm defect of respiratory motile cilia; Recurrent bronchitis. Review status: criteria provided, single submitter. Criteria: Submitter's publication. Collection method: research. Allele origin: somatic. Inheritance: X-linked recessive inheritance. Affected: yes. Observed: 1 hemizygote.
Comment: Some Bioinformatic tools predict as pathogenic but no differences in mRNA expression were observed.